The following is an entry in ClinVar:

ClinVar aggregate classification (germline): Uncertain significance. Review status: criteria provided, multiple submitters, no conflicts (2 of 4 stars). 2 submissions from 2 submitters: Uncertain significance (2). Last evaluated 2025-05-03.

gnomAD v4.1: 3 of 1,612,588 alleles (0.00019%); highest among the groups gnomAD compares: African/African-American, 0.004%; no homozygotes.

Submissions (2):

Ambry Genetics
Classification: Uncertain significance. Last evaluated: 2025-05-03. Review status: criteria provided, single submitter. Criteria: Ambry Variant Classification Scheme 2023. Collection method: clinical testing. Allele origin: germline.

Labcorp Genetics (formerly Invitae), Labcorp
Classification: Uncertain significance. Last evaluated: 2022-09-04. Review status: criteria provided, single submitter. Criteria: Invitae Variant Classification Sherloc (09022015). Collection method: clinical testing. Allele origin: germline.
Comment: Algorithms developed to predict the effect of missense changes on protein structure and function output the following: SIFT: "Tolerated"; PolyPhen-2: "Benign"; Align-GVGD: "Class C0". The valine amino acid residue is found in multiple mammalian species, which suggests that this missense change does not adversely affect protein function. This variant has not been reported in the literature in individuals affected with HMCN1-related conditions. This variant is present in population databases (no rsID available, gnomAD 0.0009%). This sequence change replaces isoleucine, which is neutral and non-polar, with valine, which is neutral and non-polar, at codon 2529 of the HMCN1 protein (p.Ile2529Val). In summary, the available evidence is currently insufficient to determine the role of this variant in disease. Therefore, it has been classified as a Variant of Uncertain Significance.

NM_031935.3(HMCN1):c.7585A>G (p.Ile2529Val)

Gene: HMCN1 (hemicentin 1; plus strand). Cytogenetic location: 1q31.1.
Variant type: single nucleotide variant.
Coding change: c.7585A>G on transcript NM_031935.3 (MANE Select); coding-DNA position 7585, A replaced by G.
Protein change: p.Ile2529Val; replaces isoleucine 2529 with valine.
Molecular consequence: missense variant.
Genome position (GRCh38, 1-based): chr1:186,065,309, A>G. VCF-style: chr1-186065309-A-G. GRCh37 (hg19) VCF-style: chr1-186034441-A-G.
Other names: c.7585A>G (NM_031935.2); short protein forms I2529V.
Identifiers: ClinVar variation 1914794 (VCV001914794.6), dbSNP rs145591176, ClinGen allele CA33459414.